The following is an entry in ClinVar:

NM_017514.5(PLXNA3):c.3949C>T (p.Leu1317Phe)

Gene: PLXNA3 (plexin A3; plus strand). Cytogenetic location: Xq28.
Variant type: single nucleotide variant.
Coding change: c.3949C>T on transcript NM_017514.5 (MANE Select); coding-DNA position 3949, C replaced by T.
Protein change: p.Leu1317Phe; replaces leucine 1317 with phenylalanine.
Molecular consequence: missense variant.
Genome position (GRCh38, 1-based): chrX:154,468,210, C>T. VCF-style: chrX-154468210-C-T. GRCh37 (hg19) VCF-style: chrX-153696553-C-T.
Other names: short protein forms L1317F.
Identifiers: ClinVar variation 4977351 (VCV004977351.1).

ClinVar aggregate classification (germline): Uncertain significance (1 of 4 stars; one submission).

Conditions:
PLXNA3-related disorder. Also called: PLXNA3-related condition.

gnomAD v4.1: 5 of 1,180,251 alleles (0.00042%); highest among the groups gnomAD compares: Admixed American, 0.011%; no homozygotes.

Submission:

PreventionGenetics, part of Exact Sciences
Classification: Uncertain significance for PLXNA3-related condition. Last evaluated: 2025-05-27. Review status: criteria provided, single submitter. Criteria: ACMG Guidelines, 2015. Collection method: clinical testing. Allele origin: germline.
Comment: The PLXNA3 c.3949C>T variant is predicted to result in the amino acid substitution p.Leu1317Phe. To our knowledge, this variant has not been reported in the literature. This variant is reported in 0.016% of alleles in individuals of Latino descent in gnomAD. At this time, the clinical significance of this variant is uncertain due to the absence of conclusive functional and genetic evidence.